The following is an entry in ClinVar:

NM_005228.5(EGFR):c.1393G>A (p.Gly465Arg)

Gene: EGFR (epidermal growth factor receptor; plus strand). Cytogenetic location: 7p11.2.
Variant type: single nucleotide variant.
Coding change: c.1393G>A on transcript NM_005228.5 (MANE Select); coding-DNA position 1393, G replaced by A.
Protein change: p.Gly465Arg; replaces glycine 465 with arginine.
Molecular consequence: missense variant.
Genome position (GRCh38, 1-based): chr7:55,160,233, G>A. VCF-style: chr7-55160233-G-A. GRCh37 (hg19) VCF-style: chr7-55227926-G-A.
Other names: c.1258G>A, p.Gly420Arg (NM_001346897.2, NM_001346899.2); c.1393G>A, p.Gly465Arg (NM_001346898.2, NM_201282.2, NM_201284.2); c.1234G>A, p.Gly412Arg (NM_001346900.2); c.592G>A, p.Gly198Arg (NM_001346941.2); short protein forms G198R, G465R, G412R, G420R.
Identifiers: ClinVar variation 2011745 (VCV002011745.4), dbSNP rs2128941520, ClinGen allele CA367579504.

ClinVar aggregate classification (germline): Uncertain significance (1 of 4 stars; one submission).

Conditions:
EGFR-related lung cancer (EGFR). Identifiers: MedGen CN130014.

Submission:

Labcorp Genetics (formerly Invitae), Labcorp
Classification: Uncertain significance for EGFR-related lung cancer. Last evaluated: 2025-12-01. Review status: criteria provided, single submitter. Criteria: Invitae Variant Classification Sherloc (09022015). Collection method: clinical testing. Allele origin: germline.
Comment: This sequence change replaces glycine, which is neutral and non-polar, with arginine, which is basic and polar, at codon 465 of the EGFR protein (p.Gly465Arg). This variant is not present in population databases (gnomAD no frequency). This variant has not been reported in the literature in individuals affected with EGFR-related conditions. ClinVar contains an entry for this variant (Variation ID: 2011745). Invitae Evidence Modeling of protein sequence and biophysical properties (such as structural, functional, and spatial information, amino acid conservation, physicochemical variation, residue mobility, and thermodynamic stability) indicates that this missense variant is not expected to disrupt EGFR protein function with a negative predictive value of 80%. In summary, the available evidence is currently insufficient to determine the role of this variant in disease. Therefore, it has been classified as a Variant of Uncertain Significance.